The following is an entry in ClinVar:

ClinVar aggregate classification (germline): Uncertain significance (1 of 4 stars; one submission).

Submission:

Labcorp Genetics (formerly Invitae), Labcorp
Classification: Uncertain significance. Last evaluated: 2025-03-22. Review status: criteria provided, single submitter. Criteria: Invitae Variant Classification Sherloc (09022015). Collection method: clinical testing. Allele origin: germline.
Comment: This sequence change replaces histidine, which is basic and polar, with glutamine, which is neutral and polar, at codon 1067 of the SMARCA2 protein (p.His1067Gln). This variant is not present in population databases (gnomAD no frequency). This variant has not been reported in the literature in individuals affected with SMARCA2-related conditions. Invitae Evidence Modeling of protein sequence and biophysical properties (such as structural, functional, and spatial information, amino acid conservation, physicochemical variation, residue mobility, and thermodynamic stability) indicates that this missense variant is expected to disrupt SMARCA2 protein function with a positive predictive value of 80%. In summary, the available evidence is currently insufficient to determine the role of this variant in disease. Therefore, it has been classified as a Variant of Uncertain Significance.

NM_003070.5(SMARCA2):c.3201C>A (p.His1067Gln)

Gene: SMARCA2 (SWI/SNF related BAF chromatin remodeling complex subunit ATPase 2; plus strand). Cytogenetic location: 9p24.3.
Variant type: single nucleotide variant.
Coding change: c.3201C>A on transcript NM_003070.5 (MANE Select); coding-DNA position 3201, C replaced by A.
Protein change: p.His1067Gln; replaces histidine 1067 with glutamine.
Molecular consequence: missense variant.
Genome position (GRCh38, 1-based): chr9:2,104,078, C>A. VCF-style: chr9-2104078-C-A. GRCh37 (hg19) VCF-style: chr9-2104078-C-A.
Other names: c.3201C>A, p.His1067Gln (NM_001289396.2, NM_139045.4); c.3027C>A, p.His1009Gln (NM_001289397.2); short protein forms H1009Q, H1067Q.
Identifiers: ClinVar variation 4741472 (VCV004741472.1).
Genomic context (GRCh38, chr9:2,104,078, plus strand): 5'-GGCCTCAGGGAAGTTTGAGCTGCTTGATCGTATTCTGCCAAAATTGAGAGCGACTAATCA[C>A]CGAGTGCTGCTTTTCTGCCAGATGACATCTCTCATGACCATCATGGAGGATTATTTTGCT-3'
Protein context (NP_003061.3, residues 1057-1077): RILPKLRATN[His1067Gln]RVLLFCQMTS